The following is an entry in ClinVar:

ClinVar aggregate classification (germline): Uncertain significance. Review status: criteria provided, multiple submitters, no conflicts (2 of 4 stars). 2 submissions from 2 submitters: Uncertain significance (2). Last evaluated 2022-03-14.

Conditions:
Autosomal recessive limb-girdle muscular dystrophy type 2J (LGMDR10). Also called: Limb-girdle muscular dystrophy, type 2J; MUSCULAR DYSTROPHY, LIMB-GIRDLE, AUTOSOMAL RECESSIVE 10. Identifiers: Orphanet 140922, MedGen C1837342, MONDO:0012127, OMIM 608807.
Dilated cardiomyopathy 1G (CMD1G). Identifiers: Orphanet 154, MedGen C1858763, MONDO:0011400, OMIM 604145.

Allele frequency attached by ClinVar (database versions not stated): ExAC 0.00001; gnomAD 0.00001; gnomAD exomes 0.00001.
gnomAD v4.1: 4 of 1,612,524 alleles (0.00025%); highest among the groups gnomAD compares: Admixed American, 0.0067%; no homozygotes.

Submissions (2):

GeneDx
Classification: Uncertain significance. Last evaluated: 2022-03-14. Review status: criteria provided, single submitter. Criteria: GeneDx Variant Classification Process June 2021. Collection method: clinical testing. Allele origin: germline. Affected: yes.
Comment: Not observed at significant frequency in large population cohorts (gnomAD); Missense variant in a gene in which most reported pathogenic variants are truncating/loss-of-function; Has not been previously published as pathogenic or benign to our knowledge

Labcorp Genetics (formerly Invitae), Labcorp
Classification: Uncertain significance for Dilated cardiomyopathy 1G; Autosomal recessive limb-girdle muscular dystrophy type 2J. Last evaluated: 2017-03-15. Review status: criteria provided, single submitter. Criteria: Invitae Variant Classification Sherloc (09022015). Collection method: clinical testing. Allele origin: germline.

NM_001267550.2(TTN):c.55228T>C (p.Ser18410Pro)

Genes: TTN-AS1 (TTN antisense RNA 1; plus strand), TTN (titin; minus strand). Cytogenetic location: 2q31.2.
Variant type: single nucleotide variant.
Coding change: c.55228T>C on transcript NM_001267550.2 (MANE Select); coding-DNA position 55228, T replaced by C.
Protein change: p.Ser18410Pro; replaces serine 18410 with proline.
Molecular consequence: missense variant.
Genome position (GRCh38, 1-based): chr2:178,602,043, A>G on the plus strand (T>C on the coding strand, the complement: TTN is on the minus strand). VCF-style: chr2-178602043-A-G. GRCh37 (hg19) VCF-style: chr2-179466770-A-G.
Other names: c.55228T>C (NM_001267550.1); c.50305T>C, p.Ser16769Pro (NM_001256850.1); c.28033T>C, p.Ser9345Pro (NM_003319.4); c.47524T>C, p.Ser15842Pro (NM_133378.4); c.28408T>C, p.Ser9470Pro (NM_133432.3); c.28609T>C, p.Ser9537Pro (NM_133437.4); short protein forms S18410P, S9470P, S9345P, S9537P, S16769P, S15842P.
Identifiers: ClinVar variation 467276 (VCV000467276.5), dbSNP rs778636992, ClinGen allele CA1993515.